The following is an entry in ClinVar:

ClinVar aggregate classification (germline): Uncertain significance (1 of 4 stars; one submission).

Submission:

ISCA site 4
Classification: Uncertain significance. Last evaluated: 2011-08-12. Review status: criteria provided, single submitter. Criteria: Kaminsky et al. (Genet Med. 2011). Collection method: clinical testing. Allele origin: maternal. Affected: yes. Observed: 1 variant allele.
Comment: Copy number variation identified through the course of routine clinical cytogenomic testing in postnatal populations. Clinical assertions have been curated as described in Kaminsky et al. 2011.

GRCh38/hg38 15q21.3(chr15:58227724-58464615)x1

Genes: LIPC (lipase C, hepatic type; plus strand), LIPC-AS1 (LIPC antisense RNA 1; minus strand), LOC112272598 (Sharpr-MPRA regulatory region 5540; plus strand), LOC112272599 (CDK7 strongly-dependent group 2 enhancer GRCh37_chr15:58624073-58625272; plus strand), LOC121847952 (Sharpr-MPRA regulatory region 12189; plus strand) and 12 more. Cytogenetic location: 15q21.3.
Variant type: copy number loss.
Change: copy number 1 (one copy instead of two) of chr15:58,227,724-58,464,615 (236.9 kb, GRCh38 coordinates, 1-based), cytogenetic band 15q21.3.
Identifiers: ClinVar variation 57466 (VCV000057466.1).